The following is an entry in ClinVar:

NM_001105206.3(LAMA4):c.97C>G (p.Pro33Ala)

Genes: LAMA4 (laminin subunit alpha 4; minus strand), LAMA4-AS1 (LAMA4 antisense RNA 1; plus strand). Cytogenetic location: 6q21.
Variant type: single nucleotide variant.
Coding change: c.97C>G on transcript NM_001105206.3 (MANE Select); coding-DNA position 97, C replaced by G.
Protein change: p.Pro33Ala; replaces proline 33 with alanine.
Molecular consequence: missense variant.
Genome position (GRCh38, 1-based): chr6:112,254,054, G>C on the plus strand (C>G on the coding strand, the complement: LAMA4 is on the minus strand). VCF-style: chr6-112254054-G-C. GRCh37 (hg19) VCF-style: chr6-112575256-G-C.
Other names: c.97C>G, p.Pro33Ala (NM_001105207.3, NM_001105208.3, NM_001105209.3 and 1 more transcripts); short protein forms P33A.
Identifiers: ClinVar variation 2500664 (VCV002500664.1), dbSNP rs2482137352, ClinGen allele CA365518850.

ClinVar aggregate classification (germline): Uncertain significance (1 of 4 stars; one submission).

gnomAD v4.1: 2 of 1,605,900 alleles (0.00012%); highest among the groups gnomAD compares: Non-Finnish European, 0.000085%; no homozygotes.

Submission:

GeneDx
Classification: Uncertain significance. Last evaluated: 2022-10-31. Review status: criteria provided, single submitter. Criteria: GeneDx Variant Classification Process June 2021. Collection method: clinical testing. Allele origin: germline. Affected: yes.
Comment: Has not been previously published as pathogenic or benign to our knowledge; Not observed at significant frequency in large population cohorts (gnomAD); In silico analysis supports that this missense variant has a deleterious effect on protein structure/function